The following is an entry in ClinVar:

NM_000492.4(CFTR):c.1117-15C>T

Gene: CFTR (CF transmembrane conductance regulator; plus strand). Cytogenetic location: 7q31.2.
Variant type: single nucleotide variant.
Coding change: c.1117-15C>T on transcript NM_000492.4 (MANE Select); 15 bases into the intron before coding-DNA position 1117, C replaced by T.
Molecular consequence: intron variant.
Genome position (GRCh38, 1-based): chr7:117,542,001, C>T. VCF-style: chr7-117542001-C-T. GRCh37 (hg19) VCF-style: chr7-117182055-C-T.
Identifiers: ClinVar variation 4983869 (VCV004983869.1).
Genomic context (GRCh38, chr7:117,542,001, plus strand): 5'-AGTATAAAGTAGATGTAATAATGCATTAATGCTATTCTGATTCTATAATATGTTTTTGCT[C>T]TCTTTTATAAATAGGATTTCTTACAAAAGCAAGAATATAAGACATTGGAATATAACTTAA-3'

ClinVar aggregate classification (germline): Likely benign (1 of 4 stars; one submission).

Conditions:
CFTR-related disorder (CFTR-RD). Also called: CFTR-related disorders; CFTR-related condition. Identifiers: MedGen C5924204, MONDO:7770004.

Submission:

PreventionGenetics, part of Exact Sciences
Classification: Likely benign for CFTR-related condition. Last evaluated: 2024-12-13. Review status: criteria provided, single submitter. Criteria: ACMG Guidelines, 2015. Collection method: clinical testing. Allele origin: germline.
Comment: This variant is classified as likely benign based on ACMG/AMP sequence variant interpretation guidelines (Richards et al. 2015 PMID: 25741868, with internal and published modifications).